The following is an entry in ClinVar:

NM_016239.4(MYO15A):c.5886C>T (p.Tyr1962=)

Gene: MYO15A (myosin XVA; plus strand). Cytogenetic location: 17p11.2.
Variant type: single nucleotide variant.
Coding change: c.5886C>T on transcript NM_016239.4 (MANE Select); coding-DNA position 5886, C replaced by T.
Protein change: p.Tyr1962=; no amino-acid change (tyrosine 1962 retained).
Molecular consequence: synonymous variant.
Genome position (GRCh38, 1-based): chr17:18,142,816, C>T. VCF-style: chr17-18142816-C-T. GRCh37 (hg19) VCF-style: chr17-18046130-C-T.
Identifiers: ClinVar variation 164533 (VCV000164533.11), dbSNP rs727503310, ClinGen allele CA177231.

ClinVar aggregate classification (germline): Likely benign. Review status: criteria provided, multiple submitters, no conflicts (2 of 4 stars). 2 submissions from 2 submitters: Likely benign (2). Last evaluated 2024-03-01.

Allele frequency attached by ClinVar (database versions not stated): gnomAD 0.00005; TOPMed 0.00005; gnomAD exomes 0.00007; ExAC 0.00009.

Submissions (2):

Labcorp Genetics (formerly Invitae), Labcorp
Classification: Likely benign. Last evaluated: 2024-03-01. Review status: criteria provided, single submitter. Criteria: Invitae Variant Classification Sherloc (09022015). Collection method: clinical testing. Allele origin: germline.

Laboratory for Molecular Medicine, Mass General Brigham Personalized Medicine
Classification: Likely benign. Last evaluated: 2013-07-30. Review status: criteria provided, single submitter. Criteria: LMM Criteria. Collection method: clinical testing. Allele origin: germline. Observed: 1 variant allele.
Comment: Tyr1962Tyr in exon 25 of MYO15A: This variant is not expected to have clinical s ignificance because it does not alter an amino acid residue and it is not locate d within the splice consensus sequence.